The following is an entry in ClinVar:

NM_198253.3(TERT):c.1450G>C (p.Glu484Gln)

Gene: TERT (telomerase reverse transcriptase; minus strand). Cytogenetic location: 5p15.33.
Variant type: single nucleotide variant.
Coding change: c.1450G>C on transcript NM_198253.3 (MANE Select); coding-DNA position 1450, G replaced by C.
Protein change: p.Glu484Gln; replaces glutamic acid 484 with glutamine.
Molecular consequence: missense variant. On other transcripts: non-coding transcript variant (2).
Genome position (GRCh38, 1-based): chr5:1,293,436, C>G on the plus strand (G>C on the coding strand, the complement: TERT is on the minus strand). VCF-style: chr5-1293436-C-G. GRCh37 (hg19) VCF-style: chr5-1293551-C-G.
Other names: c.1450G>C, p.Glu484Gln (NM_001193376.3); short protein forms E484Q.
Identifiers: ClinVar variation 575079 (VCV000575079.8), dbSNP rs1561213355, ClinGen allele CA359085573.
Genomic context (GRCh38, chr5:1,293,436, plus strand): 5'-AGAGCTTGGCATGCTTCCCCAGGGAGATGAACTTCTTGGTGTTCCTGAGGAAGCGGCGTT[C>G]GTTGTGCCTGGAGCCCCAGAGGCCTGGGGGCACCAGCCGGCGCAGGCAGGCCCGCACGAA-3'
Protein context (NP_937983.2, residues 474-494): PPGLWGSRHN[Glu484Gln]RRFLRNTKKF

ClinVar aggregate classification (germline): Conflicting classifications of pathogenicity. Review status: criteria provided, conflicting classifications (1 of 4 stars). 2 submissions from 2 submitters: Uncertain significance (1); Likely benign (1). Last evaluated 2022-07-02.

Conditions:
Dyskeratosis congenita. Identifiers: Orphanet 1775, MedGen C0265965, MONDO:0015780.
Idiopathic Pulmonary Fibrosis. Also called: Idiopathic fibrosing alveolitis, chronic form; idiopathic fibrosing alveolitis. Identifiers: Orphanet 2032, MedGen C1800706, MeSH D054990, MONDO:0800504.
Dyskeratosis congenita, autosomal dominant 2. Identifiers: MedGen C3151443, MONDO:0013521, OMIM 613989.

Allele frequency attached by ClinVar (database versions not stated): TOPMed 0.00001.

Submissions (2):

Labcorp Genetics (formerly Invitae), Labcorp
Classification: Uncertain significance for Dyskeratosis congenita, autosomal dominant 2; Idiopathic Pulmonary Fibrosis. Last evaluated: 2022-07-02. Review status: criteria provided, single submitter. Criteria: Invitae Variant Classification Sherloc (09022015). Collection method: clinical testing. Allele origin: germline.
Comment: This sequence change replaces glutamic acid, which is acidic and polar, with glutamine, which is neutral and polar, at codon 484 of the TERT protein (p.Glu484Gln). This variant is not present in population databases (gnomAD no frequency). This variant has not been reported in the literature in individuals affected with TERT-related conditions. ClinVar contains an entry for this variant (Variation ID: 575079). Advanced modeling of protein sequence and biophysical properties (such as structural, functional, and spatial information, amino acid conservation, physicochemical variation, residue mobility, and thermodynamic stability) performed at Invitae indicates that this missense variant is not expected to disrupt TERT protein function. In summary, the available evidence is currently insufficient to determine the role of this variant in disease. Therefore, it has been classified as a Variant of Uncertain Significance.

Ambry Genetics
Classification: Likely benign for Dyskeratosis congenita. Last evaluated: 2022-01-31. Review status: criteria provided, single submitter. Criteria: Ambry Variant Classification Scheme 2023. Collection method: clinical testing. Allele origin: germline.